The following is an entry in ClinVar:

NM_001009944.3(PKD1):c.12843G>A (p.Val4281=)

Gene: PKD1 (polycystin 1, transient receptor potential channel interacting; minus strand). Cytogenetic location: 16p13.3.
Variant type: single nucleotide variant.
Coding change: c.12843G>A on transcript NM_001009944.3 (MANE Select); coding-DNA position 12843, G replaced by A.
Protein change: p.Val4281=; no amino-acid change (valine 4281 retained).
Molecular consequence: synonymous variant.
Genome position (GRCh38, 1-based): chr16:2,089,796, C>T on the plus strand (G>A on the coding strand, the complement: PKD1 is on the minus strand). VCF-style: chr16-2089796-C-T. GRCh37 (hg19) VCF-style: chr16-2139797-C-T.
Other names: c.12840G>A, p.Val4280= (NM_000296.4).
Identifiers: ClinVar variation 997393 (VCV000997393.1), dbSNP rs2091378699, ClinGen allele CA493044249.

ClinVar aggregate classification (germline): Likely benign (0 of 4 stars; one submission).

Conditions:
Polycystic kidney disease. Also called: Polycystic kidney dysplasia; Kidney, Polycystic. Identifiers: MedGen C0022680, MeSH D007690, MONDO:0020642, HP:0000113.

Submission:

Department of Pathology and Laboratory Medicine, Sinai Health System
Classification: Likely benign for Polycystic Kidney disease. Review status: no assertion criteria provided. Collection method: clinical testing. Allele origin: unknown. Affected: yes. Study: The Canadian Open Genetics Repository (COGR).
Comment: The PKD1 p.Val4281= variant was not identified in the literature nor was it identified in the dbSNP, ClinVar, LOVD 3.0, ADPKD Mutation Database and PKD1-LOVD databases. The variant was not identified in the following control databases: the Exome Aggregation Consortium (August 8th 2016), or the Genome Aggregation Database (Feb 27, 2017). The p.Val4281= variant is not expected to have clinical significance because it does not result in a change of amino acid and is not located in a known consensus splice site. The variant occurs at a non-highly conserved nucleotide outside of the splicing consensus sequence and in silico or computational prediction software programs (SpliceSiteFinder, MaxEntScan, NNSPLICE, GeneSplicer) do not predict a difference in splicing. In summary, based on the above information the clinical significance of this variant cannot be determined with certainty at this time although we would lean towards a more benign role for this variant. This variant is classified as likely benign.